The following is an entry in ClinVar:

NM_001457.4(FLNB):c.1404T>C (p.Arg468=)

Gene: FLNB (filamin B; plus strand). Cytogenetic location: 3p14.3.
Variant type: single nucleotide variant.
Coding change: c.1404T>C on transcript NM_001457.4 (MANE Select); coding-DNA position 1404, T replaced by C.
Protein change: p.Arg468=; no amino-acid change (arginine 468 retained).
Molecular consequence: synonymous variant.
Genome position (GRCh38, 1-based): chr3:58,102,261, T>C. VCF-style: chr3-58102261-T-C. GRCh37 (hg19) VCF-style: chr3-58087988-T-C.
Other names: c.1404T>C, p.Arg468= (NM_001164317.2, NM_001164318.2, NM_001164319.2).
Identifiers: ClinVar variation 3046962 (VCV003046962.2), dbSNP rs2471064291, ClinGen allele CA434024729.
Genomic context (GRCh38, chr3:58,102,261, plus strand): 5'-AGCCTGCAATCCAAATGCCTGCCGGGCCAGTGGCCGAGGCCTACAACCCAAAGGCGTCCG[T>C]ATCCGGGAGACCACAGATTTCAAGGTTGACACCAAAGCTGCAGGAAGTGGGGAGCTCGGT-3'
Protein context (NP_001448.2, residues 458-478): SGRGLQPKGV[Arg468=]IRETTDFKVD

ClinVar aggregate classification (germline): Likely benign (0 of 4 stars; one submission).

Conditions:
FLNB-related disorder. Also called: FLNB-related disorders; FLNB-related condition. Identifiers: MedGen CN381095.

Allele frequency attached by ClinVar (database versions not stated): gnomAD exomes below 0.00001.
gnomAD v4.1: 1 of 1,614,210 alleles (0.000062%); highest among the groups gnomAD compares: Non-Finnish European, 0.000085%; no homozygotes.

Submission:

PreventionGenetics, part of Exact Sciences
Classification: Likely benign for FLNB-related condition. Last evaluated: 2019-02-18. Review status: no assertion criteria provided. Collection method: clinical testing. Allele origin: germline.
Comment: This variant is classified as likely benign based on ACMG/AMP sequence variant interpretation guidelines (Richards et al. 2015 PMID: 25741868, with internal and published modifications).